The following is an entry in ClinVar:

NM_000069.3(CACNA1S):c.1021C>G (p.Arg341Gly)

Gene: CACNA1S (calcium voltage-gated channel subunit alpha1 S; minus strand). Cytogenetic location: 1q32.1.
Variant type: single nucleotide variant.
Coding change: c.1021C>G on transcript NM_000069.3 (MANE Select); coding-DNA position 1021, C replaced by G.
Protein change: p.Arg341Gly; replaces arginine 341 with glycine.
Molecular consequence: missense variant.
Genome position (GRCh38, 1-based): chr1:201,085,565, G>C on the plus strand (C>G on the coding strand, the complement: CACNA1S is on the minus strand). VCF-style: chr1-201085565-G-C. GRCh37 (hg19) VCF-style: chr1-201054693-G-C.
Other names: short protein forms R341G.
Identifiers: ClinVar variation 2934234 (VCV002934234.3), dbSNP rs1231520102, ClinGen allele CA344130190.

ClinVar aggregate classification (germline): Uncertain significance (1 of 4 stars; one submission).

Conditions:
Malignant hyperthermia, susceptibility to, 5 (MHS5). Also called: CACNA1S-Related Malignant Hyperthermia Susceptibility. Identifiers: Orphanet 423, MedGen C1866077, MONDO:0011163, OMIM 601887.
Hypokalemic periodic paralysis, type 1. Also called: HypoPP; Hypokalemic Periodic Paralysis Type 1 (AD). Identifiers: Orphanet 681, MedGen C3714580, MONDO:0042979, OMIM 170400.

Submission:

Labcorp Genetics (formerly Invitae), Labcorp
Classification: Uncertain significance for Hypokalemic periodic paralysis, type 1; Malignant hyperthermia, susceptibility to, 5. Last evaluated: 2023-07-25. Review status: criteria provided, single submitter. Criteria: Invitae Variant Classification Sherloc (09022015). Collection method: clinical testing. Allele origin: germline.
Comment: In summary, the available evidence is currently insufficient to determine the role of this variant in disease. Therefore, it has been classified as a Variant of Uncertain Significance. This sequence change replaces arginine, which is basic and polar, with glycine, which is neutral and non-polar, at codon 341 of the CACNA1S protein (p.Arg341Gly). This variant is not present in population databases (gnomAD no frequency). This variant has not been reported in the literature in individuals affected with CACNA1S-related conditions. Advanced modeling of protein sequence and biophysical properties (such as structural, functional, and spatial information, amino acid conservation, physicochemical variation, residue mobility, and thermodynamic stability) performed at Invitae indicates that this missense variant is expected to disrupt CACNA1S protein function.